The following is an entry in ClinVar:

ClinVar aggregate classification (germline): Uncertain significance (1 of 4 stars; one submission).

gnomAD v4.1: 3 of 1,612,614 alleles (0.00019%); highest among the groups gnomAD compares: Non-Finnish European, 0.00025%; no homozygotes.

Submission:

CeGaT Center for Human Genetics Tuebingen
Classification: Uncertain significance. Last evaluated: 2025-07-01. Review status: criteria provided, single submitter. Criteria: CeGaT Center For Human Genetics Tuebingen Variant Classification Criteria Version 2. Collection method: clinical testing. Allele origin: germline. Affected: yes. Observed: 1 variant allele.
Comment: HTT: PM2, BP4

NM_001388492.1(HTT):c.1998C>G (p.Ile666Met)

Gene: HTT (huntingtin; plus strand). Cytogenetic location: 4p16.3.
Variant type: single nucleotide variant.
Coding change: c.1998C>G on transcript NM_001388492.1 (MANE Select); coding-DNA position 1998, C replaced by G.
Protein change: p.Ile666Met; replaces isoleucine 666 with methionine.
Molecular consequence: missense variant.
Genome position (GRCh38, 1-based): chr4:3,131,297, C>G. VCF-style: chr4-3131297-C-G. GRCh37 (hg19) VCF-style: chr4-3133024-C-G.
Other names: c.2004C>G, p.Ile668Met (NM_002111.8); short protein forms I666M, I668M.
Identifiers: ClinVar variation 4084557 (VCV004084557.8).